The following is an entry in ClinVar:

ClinVar aggregate classification (germline): Uncertain significance (1 of 4 stars; one submission).

gnomAD v4.1: 1 of 1,211,229 alleles (0.000083%); highest among the groups gnomAD compares: Admixed American, 0.0022%; no homozygotes.

Submission:

Labcorp Genetics (formerly Invitae), Labcorp
Classification: Uncertain significance. Last evaluated: 2023-05-02. Review status: criteria provided, single submitter. Criteria: Invitae Variant Classification Sherloc (09022015). Collection method: clinical testing. Allele origin: germline.
Comment: In summary, the available evidence is currently insufficient to determine the role of this variant in disease. Therefore, it has been classified as a Variant of Uncertain Significance. An algorithm developed to predict the effect of missense changes on protein structure and function (PolyPhen-2) suggests that this variant is likely to be tolerated. This variant has not been reported in the literature in individuals affected with MSN-related conditions. This variant is not present in population databases (gnomAD no frequency). This sequence change replaces serine, which is neutral and polar, with threonine, which is neutral and polar, at codon 144 of the MSN protein (p.Ser144Thr).

NM_002444.3(MSN):c.430T>A (p.Ser144Thr)

Gene: MSN (moesin; plus strand). Cytogenetic location: Xq12.
Variant type: single nucleotide variant.
Coding change: c.430T>A on transcript NM_002444.3 (MANE Select); coding-DNA position 430, T replaced by A.
Protein change: p.Ser144Thr; replaces serine 144 with threonine.
Molecular consequence: missense variant.
Genome position (GRCh38, 1-based): chrX:65,729,675, T>A. VCF-style: chrX-65729675-T-A. GRCh37 (hg19) VCF-style: chrX-64949537-T-A.
Other names: short protein forms S144T.
Identifiers: ClinVar variation 2801307 (VCV002801307.3), dbSNP rs199526068, ClinGen allele CA413415744.
Genomic context (GRCh38, chrX:65,729,675, plus strand): 5'-CTGCTGGCCTCGTATGCTGTCCAGTCTAAGTATGGCGACTTCAATAAGGAAGTGCATAAG[T>A]CTGGCTACCTGGCCGGAGACAAGTTGCTCCCGCAGAGGTGAGGTGGTTCCCTGCCCTCCT-3'
Protein context (NP_002435.1, residues 134-154): YGDFNKEVHK[Ser144Thr]GYLAGDKLLP